The following is an entry in ClinVar:

ClinVar aggregate classification (germline): Uncertain significance (1 of 4 stars; one submission).

gnomAD v4.1: 2 of 1,613,374 alleles (0.00012%); highest among the groups gnomAD compares: African/African-American, 0.0027%; no homozygotes.

Submission:

GeneDx
Classification: Uncertain significance. Last evaluated: 2025-03-13. Review status: criteria provided, single submitter. Criteria: GeneDx Variant Classification Process June 2021. Collection method: clinical testing. Allele origin: germline. Affected: yes.
Comment: Not observed at significant frequency in large population cohorts (gnomAD); Missense variant in a gene in which most reported pathogenic variants are truncating/loss of function; Has not been previously published as pathogenic or benign to our knowledge

NM_001267550.2(TTN):c.81836C>T (p.Pro27279Leu)

Genes: TTN (titin; minus strand), TTN-AS1 (TTN antisense RNA 1; plus strand). Cytogenetic location: 2q31.2.
Variant type: single nucleotide variant.
Coding change: c.81836C>T on transcript NM_001267550.2 (MANE Select); coding-DNA position 81836, C replaced by T.
Protein change: p.Pro27279Leu; replaces proline 27279 with leucine.
Molecular consequence: missense variant.
Genome position (GRCh38, 1-based): chr2:178,564,296, G>A on the plus strand (C>T on the coding strand, the complement: TTN is on the minus strand). VCF-style: chr2-178564296-G-A. GRCh37 (hg19) VCF-style: chr2-179429023-G-A.
Other names: c.76913C>T, p.Pro25638Leu (NM_001256850.1); c.54641C>T, p.Pro18214Leu (NM_003319.4); c.74132C>T, p.Pro24711Leu (NM_133378.4); c.55016C>T, p.Pro18339Leu (NM_133432.3); c.55217C>T, p.Pro18406Leu (NM_133437.4); short protein forms P18214L, P18339L, P18406L, P24711L, P25638L, P27279L.
Identifiers: ClinVar variation 4083301 (VCV004083301.1).
Genomic context (GRCh38, chr2:178,564,296, plus strand): 5'-ATGTCGGCTTCAAGAACAAAAGTCTCTCCTGCATGAACAACGATGACATCTTTATATTTT[G>A]GATCCAGAGAGGCATTTGGTGCATCAATTTCATCTCTTGCAGTAATGGCACCACTACTAT-3'
Protein context (NP_001254479.2, residues 27269-27289): EIDAPNASLD[Pro27279Leu]KYKDVIVVHA